The following is an entry in ClinVar:

NM_000465.4(BARD1):c.1970C>A (p.Pro657Gln)

Gene: BARD1 (BRCA1 associated RING domain 1; minus strand). Cytogenetic location: 2q35.
Variant type: single nucleotide variant.
Coding change: c.1970C>A on transcript NM_000465.4 (MANE Select); coding-DNA position 1970, C replaced by A.
Protein change: p.Pro657Gln; replaces proline 657 with glutamine.
Molecular consequence: missense variant. On other transcripts: non-coding transcript variant (3).
Genome position (GRCh38, 1-based): chr2:214,730,442, G>T on the plus strand (C>A on the coding strand, the complement: BARD1 is on the minus strand). VCF-style: chr2-214730442-G-T. GRCh37 (hg19) VCF-style: chr2-215595166-G-T.
Other names: c.1913C>A, p.Pro638Gln (NM_001282543.2); c.617C>A, p.Pro206Gln (NM_001282545.2); c.560C>A, p.Pro187Gln (NM_001282548.2); c.431C>A, p.Pro144Gln (NM_001282549.2); short protein forms P657Q, P144Q, P187Q, P206Q, P638Q.
Identifiers: ClinVar variation 1351015 (VCV001351015.9), dbSNP rs1559373931, ClinGen allele CA350451141.
Genomic context (GRCh38, chr2:214,730,442, plus strand): 5'-CAATGAAAGTTGTATTAAAAGAAAAATACCAGCTGTTCTCTGTTGAGCCTGCTTCTGCGT[G>T]GACCTTCAGGAATTTCATACTTTTCTTCCTGTTCACATACTTTTCTTCGTAGACATGCTT-3'
Protein context (NP_000456.2, residues 647-667): QEEKYEIPEG[Pro657Gln]RRSRLNREQL

ClinVar aggregate classification (germline): Uncertain significance. Review status: criteria provided, multiple submitters, no conflicts (2 of 4 stars). 2 submissions from 2 submitters: Uncertain significance (2). Last evaluated 2021-09-04.

Conditions:
Hereditary cancer-predisposing syndrome. Also called: Neoplastic Syndromes, Hereditary; Tumor predisposition; Hereditary neoplastic syndrome; Hereditary Cancer Syndrome. Identifiers: Orphanet 140162, MedGen C0027672, MeSH D009386, MONDO:0015356.
Familial cancer of breast. Also called: hereditary breast carcinoma; Hereditary breast cancer; BREAST CANCER, FAMILIAL. Identifiers: Orphanet 227535, MedGen C0346153, MONDO:0016419, OMIM 114480. Disease mechanism: loss of function.

Allele frequency attached by ClinVar (database versions not stated): gnomAD 0.00001.
gnomAD v4.1: 2 of 1,613,606 alleles (0.00012%); highest among the groups gnomAD compares: African/African-American, 0.0027%; no homozygotes.

Submissions (2):

Labcorp Genetics (formerly Invitae), Labcorp
Classification: Uncertain significance for Familial cancer of breast. Last evaluated: 2021-09-04. Review status: criteria provided, single submitter. Criteria: Invitae Variant Classification Sherloc (09022015). Collection method: clinical testing. Allele origin: germline.
Comment: This variant has not been reported in the literature in individuals affected with BARD1-related conditions. This variant is not present in population databases (ExAC no frequency). This sequence change replaces proline with glutamine at codon 657 of the BARD1 protein (p.Pro657Gln). The proline residue is highly conserved and there is a moderate physicochemical difference between proline and glutamine. Algorithms developed to predict the effect of missense changes on protein structure and function (SIFT, PolyPhen-2, Align-GVGD) all suggest that this variant is likely to be disruptive. In summary, the available evidence is currently insufficient to determine the role of this variant in disease. Therefore, it has been classified as a Variant of Uncertain Significance.

Ambry Genetics
Classification: Uncertain significance for Hereditary cancer-predisposing syndrome. Last evaluated: 2020-11-30. Review status: criteria provided, single submitter. Criteria: Ambry Variant Classification Scheme 2023. Collection method: clinical testing. Allele origin: germline.
Comment: The p.P657Q variant (also known as c.1970C>A), located in coding exon 10 of the BARD1 gene, results from a C to A substitution at nucleotide position 1970. The proline at codon 657 is replaced by glutamine, an amino acid with similar properties. This amino acid position is well conserved in available vertebrate species. In addition, the in silico prediction for this alteration is inconclusive. Since supporting evidence is limited at this time, the clinical significance of this alteration remains unclear.